The following is an entry in ClinVar:

NM_000277.3(PAH):c.1282C>G (p.Gln428Glu)

Gene: PAH (phenylalanine hydroxylase; minus strand). Cytogenetic location: 12q23.2.
Variant type: single nucleotide variant.
Coding change: c.1282C>G on transcript NM_000277.3 (MANE Select); coding-DNA position 1282, C replaced by G.
Protein change: p.Gln428Glu; replaces glutamine 428 with glutamic acid.
Molecular consequence: missense variant.
Genome position (GRCh38, 1-based): chr12:102,840,433, G>C on the plus strand (C>G on the coding strand, the complement: PAH is on the minus strand). VCF-style: chr12-102840433-G-C. GRCh37 (hg19) VCF-style: chr12-103234211-G-C.
Other names: c.1282C>G, p.Gln428Glu (NM_001354304.2); short protein forms Q428E.
Identifiers: ClinVar variation 1952308 (VCV001952308.3), dbSNP rs567261857, ClinGen allele CA6748703.
Genomic context (GRCh38, chr12:102,840,433, plus strand): 5'-TGGCCTCGTAAGGTGTAAATTACTTACTGTTAATGGAATCAGCCAAAATCTTAAGCTGCT[G>C]GGTATTGTCCAAGACCTCAATCCTTTGGGTGTATGGGTCGTAGCGAACTGAGAAGGGCCG-3'
Protein context (NP_000268.1, residues 418-438): TQRIEVLDNT[Gln428Glu]QLKILADSIN

ClinVar aggregate classification (germline): Uncertain significance. Review status: criteria provided, multiple submitters, no conflicts (2 of 4 stars). 2 submissions from 2 submitters: Uncertain significance (2). Last evaluated 2021-12-02.

Conditions:
Inborn genetic diseases. Identifiers: MedGen C0950123, MeSH D030342.
Phenylketonuria (PKU). Also called: Phenylketonurias; OLIGOPHRENIA PHENYLPYRUVICA; FOLLING DISEASE; Phenylketonuria (PKU). Identifiers: Orphanet 716, MedGen C0031485, MONDO:0009861, OMIM 261600. Disease mechanism: loss of function.

Allele frequency attached by ClinVar (database versions not stated): 1000 Genomes Project 30x 0.00016; 1000 Genomes Project 0.00020; gnomAD 0.00004; ExAC 0.00001.
gnomAD v4.1: 15 of 1,613,764 alleles (0.00093%); highest among the groups gnomAD compares: African/African-American, 0.016%; no homozygotes.

Submissions (2):

Labcorp Genetics (formerly Invitae), Labcorp
Classification: Uncertain significance for Phenylketonuria. Last evaluated: 2021-12-02. Review status: criteria provided, single submitter. Criteria: Invitae Variant Classification Sherloc (09022015). Collection method: clinical testing. Allele origin: germline.
Comment: This sequence change replaces glutamine, which is neutral and polar, with glutamic acid, which is acidic and polar, at codon 428 of the PAH protein (p.Gln428Glu). This variant is present in population databases (rs567261857, gnomAD 0.01%). This variant has not been reported in the literature in individuals affected with PAH-related conditions. Algorithms developed to predict the effect of missense changes on protein structure and function output the following: SIFT: "Not Available"; PolyPhen-2: "Benign"; Align-GVGD: "Not Available". The glutamic acid amino acid residue is found in multiple mammalian species, which suggests that this missense change does not adversely affect protein function. In summary, the available evidence is currently insufficient to determine the role of this variant in disease. Therefore, it has been classified as a Variant of Uncertain Significance.

Ambry Genetics
Classification: Uncertain significance for Inborn genetic diseases. Last evaluated: 2021-11-12. Review status: criteria provided, single submitter. Criteria: Ambry Variant Classification Scheme 2023. Collection method: clinical testing. Allele origin: germline.